The following is an entry in ClinVar:

NM_001127208.3(TET2):c.2263G>A (p.Glu755Lys)

Genes: TET2 (tet methylcytosine dioxygenase 2; plus strand), TET2-AS1 (TET2 antisense RNA 1; minus strand). Cytogenetic location: 4q24.
Variant type: single nucleotide variant.
Coding change: c.2263G>A on transcript NM_001127208.3 (MANE Select); coding-DNA position 2263, G replaced by A.
Protein change: p.Glu755Lys; replaces glutamic acid 755 with lysine.
Molecular consequence: missense variant.
Genome position (GRCh38, 1-based): chr4:105,236,205, G>A. VCF-style: chr4-105236205-G-A. GRCh37 (hg19) VCF-style: chr4-106157362-G-A.
Other names: c.2263G>A, p.Glu755Lys (NM_017628.4); short protein forms E755K.
Identifiers: ClinVar variation 3680277 (VCV003680277.2).

ClinVar aggregate classification (germline): Uncertain significance (1 of 4 stars; one submission).

Submission:

Labcorp Genetics (formerly Invitae), Labcorp
Classification: Uncertain significance. Last evaluated: 2024-08-06. Review status: criteria provided, single submitter. Criteria: Invitae Variant Classification Sherloc (09022015). Collection method: clinical testing. Allele origin: germline.
Comment: This sequence change replaces glutamic acid, which is acidic and polar, with lysine, which is basic and polar, at codon 755 of the TET2 protein (p.Glu755Lys). This variant is not present in population databases (gnomAD no frequency). This variant has not been reported in the literature in individuals affected with TET2-related conditions. An algorithm developed to predict the effect of missense changes on protein structure and function (PolyPhen-2) suggests that this variant is likely to be tolerated. In summary, the available evidence is currently insufficient to determine the role of this variant in disease. Therefore, it has been classified as a Variant of Uncertain Significance.